The following is an entry in ClinVar:

ClinVar aggregate classification (germline): Uncertain significance. Review status: criteria provided, multiple submitters, no conflicts (2 of 4 stars). 3 submissions from 3 submitters: Uncertain significance (3). Last evaluated 2023-07-12.

Conditions:
Inborn genetic diseases. Identifiers: MedGen C0950123, MeSH D030342.
Intellectual developmental disorder, autosomal dominant 52. Also called: Mental retardation, autosomal dominant 52; Intellectual disability, autosomal dominant 52. Identifiers: MedGen C4540478, MONDO:0030918, OMIM 617796.

Allele frequency attached by ClinVar (database versions not stated): gnomAD exomes below 0.00001; gnomAD 0.00001.
gnomAD v4.1: 8 of 1,614,116 alleles (0.0005%); highest among the groups gnomAD compares: Non-Finnish European, 0.00059%; no homozygotes.

Submissions (3):

Women's Health and Genetics/Laboratory Corporation of America, LabCorp
Classification: Uncertain significance. Last evaluated: 2023-07-12. Review status: criteria provided, single submitter. Criteria: LabCorp Variant Classification Summary - May 2015. Collection method: clinical testing. Allele origin: germline.
Comment: Variant summary: ASH1L c.5337C>G (p.Ile1779Met) results in a conservative amino acid change in the encoded protein sequence. Five of five in-silico tools predict a benign effect of the variant on protein function. The variant allele was found at a frequency of 4e-06 in 251488 control chromosomes (gnomAD). The available data on variant occurrences in the general population are insufficient to allow any conclusion about variant significance. To our knowledge, no occurrence of c.5337C>G in individuals affected with Intellectual Disability, Autosomal Dominant 52 and no experimental evidence demonstrating its impact on protein function have been reported. One ClinVar submitter has assessed the variant since 2014, and classified the variant as uncertain significance. Based on the evidence outlined above, the variant was classified as uncertain significance.

Genome-Nilou Lab
Classification: Uncertain significance for Intellectual developmental disorder, autosomal dominant 52. Last evaluated: 2023-04-11. Review status: criteria provided, single submitter. Criteria: ACMG Guidelines, 2015. Collection method: clinical testing. Allele origin: germline. Affected: no.

Ambry Genetics
Classification: Uncertain significance for Inborn genetic diseases. Last evaluated: 2023-03-21. Review status: criteria provided, single submitter. Criteria: Ambry Variant Classification Scheme 2023. Collection method: clinical testing. Allele origin: germline.

NM_018489.3(ASH1L):c.5337C>G (p.Ile1779Met)

Gene: ASH1L (ASH1 like histone lysine methyltransferase; minus strand). Cytogenetic location: 1q22.
Variant type: single nucleotide variant.
Coding change: c.5337C>G on transcript NM_018489.3 (MANE Select); coding-DNA position 5337, C replaced by G.
Protein change: p.Ile1779Met; replaces isoleucine 1779 with methionine.
Molecular consequence: missense variant.
Genome position (GRCh38, 1-based): chr1:155,438,818, G>C on the plus strand (C>G on the coding strand, the complement: ASH1L is on the minus strand). VCF-style: chr1-155438818-G-C. GRCh37 (hg19) VCF-style: chr1-155408609-G-C.
Other names: c.5337C>G, p.Ile1779Met (NM_001366177.2); short protein forms I1779M.
Identifiers: ClinVar variation 2527545 (VCV002527545.4), dbSNP rs913508836, ClinGen allele CA342691199.